The following is an entry in ClinVar:

NM_003151.4(STAT4):c.1226C>G (p.Ser409Cys)

Gene: STAT4 (signal transducer and activator of transcription 4; minus strand). Cytogenetic location: 2q32.2.
Variant type: single nucleotide variant.
Coding change: c.1226C>G on transcript NM_003151.4 (MANE Select); coding-DNA position 1226, C replaced by G.
Protein change: p.Ser409Cys; replaces serine 409 with cysteine.
Molecular consequence: missense variant.
Genome position (GRCh38, 1-based): chr2:191,054,515, G>C on the plus strand (C>G on the coding strand, the complement: STAT4 is on the minus strand). VCF-style: chr2-191054515-G-C. GRCh37 (hg19) VCF-style: chr2-191919241-G-C.
Other names: c.1226C>G, p.Ser409Cys (NM_001243835.2); short protein forms S409C.
Identifiers: ClinVar variation 3673307 (VCV003673307.2).
Genomic context (GRCh38, chr2:191,054,515, plus strand): 5'-TCCAGAAAAATTCTATAGGAGAAAACATTTCCTACCTCATTTCCTTTACCTCCAGCACTG[G>C]ACTTCATTTCCTTTGGTTGCTTTGTAAAAGAAAACAACAATATTTAGATGGAAAAGCATT-3'
Protein context (NP_003142.1, residues 399-419): FRHLQPKEMK[Ser409Cys]SAGGKGNEGC

ClinVar aggregate classification (germline): Uncertain significance (1 of 4 stars; one submission).

Submission:

Labcorp Genetics (formerly Invitae), Labcorp
Classification: Uncertain significance. Last evaluated: 2024-10-06. Review status: criteria provided, single submitter. Criteria: Invitae Variant Classification Sherloc (09022015). Collection method: clinical testing. Allele origin: germline.
Comment: This sequence change replaces serine, which is neutral and polar, with cysteine, which is neutral and slightly polar, at codon 409 of the STAT4 protein (p.Ser409Cys). This variant is not present in population databases (gnomAD no frequency). This variant has not been reported in the literature in individuals affected with STAT4-related conditions. An algorithm developed to predict the effect of missense changes on protein structure and function outputs the following: PolyPhen-2: "Benign". The cysteine amino acid residue is found in multiple mammalian species, which suggests that this missense change does not adversely affect protein function. In summary, the available evidence is currently insufficient to determine the role of this variant in disease. Therefore, it has been classified as a Variant of Uncertain Significance.